The following is an entry in ClinVar:

NM_000441.2(SLC26A4):c.1015del (p.Glu339fs)

Gene: SLC26A4 (solute carrier family 26 member 4; plus strand). Cytogenetic location: 7q22.3.
Variant type: Deletion.
Coding change: c.1015del on transcript NM_000441.2 (MANE Select); coding-DNA position 1015, one base deleted (G; older notation c.1015delG).
Protein change: p.Glu339fs; shifts the reading frame from glutamic acid 339.
Molecular consequence: frameshift variant.
Genome position (GRCh38, 1-based): chr7:107,689,066, G deleted. VCF-style (leftmost placement, unchanged base first): chr7-107689065-TG-T. GRCh37 (hg19) VCF-style: chr7-107329510-TG-T.
Other names: short protein forms E339fs.
Identifiers: ClinVar variation 1725133 (VCV001725133.2), dbSNP rs2535317595, ClinGen allele CA2580076139.
Genomic context (GRCh38, chr7:107,689,065, plus strand): 5'-GGATGGTGGTCAAATCTTCACAGCATTTTTCACTTAAAAACTCACTAGGTTTTTGCCTCC[TG>T]AACTTCCACCTGTGAGCTTGTTCTCGGAGATGCTGGCTGCATCATTTTCCATCGCTGTGG-3'

ClinVar aggregate classification (germline): Likely pathogenic (1 of 4 stars; one submission).

Conditions:
Pendred syndrome (PDS). Also called: Pendred Syndrome (PDS); GOITER-DEAFNESS SYNDROME; HYPOTHYROIDISM, CONGENITAL, DUE TO DYSHORMONOGENESIS, 2B; Pendred's syndrome; DEAFNESS WITH GOITER; THYROID DYSHORMONOGENESIS 2B. Identifiers: Orphanet 705, MedGen C0271829, MONDO:0010134, OMIM 274600.

Submission:

Myriad Genetics, Inc.
Classification: Likely pathogenic for Pendred syndrome. Last evaluated: 2022-03-08. Review status: criteria provided, single submitter. Criteria: Myriad Women's Health Autosomal Recessive and X-Linked Classification Criteria (2021). Collection method: clinical testing. Allele origin: unknown.
Comment: NM_000441.1(SLC26A4):c.1015delG(E339Nfs*5) is expected to be pathogenic in the context of Pendred syndrome. This variant is predicted to lead to an abnormal or absent protein product due to the creation of a premature termination codon in SLC26A4, a gene where loss-of-function variants are known to be pathogenic. Please note: this variant was assessed in the context of healthy population screening.